The following is an entry in ClinVar:

ClinVar aggregate classification (germline): Conflicting classifications of pathogenicity. Review status: criteria provided, conflicting classifications (1 of 4 stars). 3 submissions from 3 submitters: Likely pathogenic (1); Uncertain significance (2). Last evaluated 2024-12-01.

Conditions:
Glycine encephalopathy. Also called: Nonketotic hyperglycinemia; Non-ketotic hyperglycinemia. Identifiers: Orphanet 407, MedGen C0751748, MONDO:0011612, HP:0008288.

gnomAD v4.1: 3 of 1,596,558 alleles (0.00019%); highest among the groups gnomAD compares: Non-Finnish European, 0.00026%; no homozygotes.

Submissions (3):

CeGaT Center for Human Genetics Tuebingen
Classification: Uncertain significance. Last evaluated: 2024-12-01. Review status: criteria provided, single submitter. Criteria: CeGaT Center For Human Genetics Tuebingen Variant Classification Criteria Version 2. Collection method: clinical testing. Allele origin: germline. Affected: yes. Observed: 1 variant allele.
Comment: GLDC: PM2, PM3:Supporting

Women's Health and Genetics/Laboratory Corporation of America, LabCorp
Classification: Uncertain significance. Last evaluated: 2024-08-22. Review status: criteria provided, single submitter. Criteria: LabCorp Variant Classification Summary - May 2015. Collection method: clinical testing. Allele origin: germline.
Comment: Variant summary: GLDC c.1412C>G (p.Ser471Cys) results in a non-conservative amino acid change located in the Glycine cleavage system P-protein, N-terminal domain (IPR049315) of the encoded protein sequence. Five of five in-silico tools predict a damaging effect of the variant on protein function. The variant was absent in 250440 control chromosomes. The available data on variant occurrences in the general population are insufficient to allow any conclusion about variant significance. To our knowledge, no occurrence of c.1412C>G in individuals affected with Glycine Encephalopathy (Non-Ketotic Hyperglycinemia) and no experimental evidence demonstrating its impact on protein function have been reported. ClinVar contains an entry for this variant (Variation ID: 2027282). Based on the evidence outlined above, the variant was classified as uncertain significance.

Labcorp Genetics (formerly Invitae), Labcorp
Classification: Likely pathogenic for Glycine encephalopathy. Last evaluated: 2022-08-27. Review status: criteria provided, single submitter. Criteria: Invitae Variant Classification Sherloc (09022015). Collection method: clinical testing. Allele origin: germline.
Comment: This sequence change replaces serine, which is neutral and polar, with cysteine, which is neutral and slightly polar, at codon 471 of the GLDC protein (p.Ser471Cys). This variant is not present in population databases (gnomAD no frequency). This variant has not been reported in the literature in individuals affected with GLDC-related conditions. Advanced modeling of protein sequence and biophysical properties (such as structural, functional, and spatial information, amino acid conservation, physicochemical variation, residue mobility, and thermodynamic stability) performed at Invitae indicates that this missense variant is expected to disrupt GLDC protein function. This variant disrupts the p.Ser471Pro amino acid residue in GLDC. Other variant(s) that disrupt this residue have been determined to be pathogenic (PMID: 27362913). This suggests that this residue is clinically significant, and that variants that disrupt this residue are likely to be disease-causing. In summary, the currently available evidence indicates that the variant is pathogenic, but additional data are needed to prove that conclusively. Therefore, this variant has been classified as Likely Pathogenic.

Literature cited by the submitters: PubMed 27362913 (cited by Labcorp Genetics (formerly Invitae), Labcorp).

NM_000170.3(GLDC):c.1412C>G (p.Ser471Cys)

Gene: GLDC (glycine decarboxylase; minus strand). Cytogenetic location: 9p24.1.
Variant type: single nucleotide variant.
Coding change: c.1412C>G on transcript NM_000170.3 (MANE Select); coding-DNA position 1412, C replaced by G.
Protein change: p.Ser471Cys; replaces serine 471 with cysteine.
Molecular consequence: missense variant.
Genome position (GRCh38, 1-based): chr9:6,592,213, G>C on the plus strand (C>G on the coding strand, the complement: GLDC is on the minus strand). VCF-style: chr9-6592213-G-C. GRCh37 (hg19) VCF-style: chr9-6592213-G-C.
Other names: short protein forms S471C.
Identifiers: ClinVar variation 2027282 (VCV002027282.15), dbSNP rs2489084120, ClinGen allele CA372893860.